The following is an entry in ClinVar:

ClinVar aggregate classification (germline): Benign/Likely benign. Review status: criteria provided, multiple submitters, no conflicts (2 of 4 stars). 4 submissions from 4 submitters: Benign (3); Likely benign (1). Last evaluated 2026-01-13.

Conditions:
Familial thoracic aortic aneurysm and aortic dissection (TAAD). Also called: Thoracic aortic aneurysms and dissections. Identifiers: Orphanet 91387, MedGen C4707243, MONDO:0019625.
Aortic aneurysm, familial thoracic 4 (AAT4). Also called: AORTIC ANEURYSM/AORTIC DISSECTION AND PATENT DUCTUS ARTERIOSUS. Identifiers: MedGen C1851504, MONDO:0007568, OMIM 132900.

Allele frequency attached by ClinVar (database versions not stated): gnomAD 0.00002; gnomAD exomes 0.00003 and 0.00016; TOPMed 0.00003; ExAC 0.00012.
gnomAD v4.1: 51 of 1,614,080 alleles (0.0032%); highest among the groups gnomAD compares: Admixed American, 0.063%; no homozygotes.

Submissions (4):

Labcorp Genetics (formerly Invitae), Labcorp
Classification: Benign for Aortic aneurysm, familial thoracic 4. Last evaluated: 2026-01-13. Review status: criteria provided, single submitter. Criteria: Invitae Variant Classification Sherloc (09022015). Collection method: clinical testing. Allele origin: germline.

All of Us Research Program, National Institutes of Health
Classification: Benign for Familial thoracic aortic aneurysm and aortic dissection. Last evaluated: 2023-11-20. Review status: criteria provided, single submitter. Criteria: ACMG Guidelines, 2015. Collection method: clinical testing. Allele origin: germline. Inheritance: Autosomal dominant inheritance. Observed: 8 variant alleles, 8 heterozygotes.
Comment: This study involves interpretation of variants in research participants for the purpose of population health screening. Participant phenotype was not available at the time of variant classification. Additional details can be found in publication PMID: 35346344, PMCID: PMC8962531

Ambry Genetics
Classification: Likely benign for Familial thoracic aortic aneurysm and aortic dissection. Last evaluated: 2023-05-01. Review status: criteria provided, single submitter. Criteria: Ambry Variant Classification Scheme 2023. Collection method: clinical testing. Allele origin: germline.

Color Diagnostics, LLC DBA Color Health
Classification: Benign for Familial thoracic aortic aneurysm and aortic dissection. Last evaluated: 2021-10-06. Review status: criteria provided, single submitter. Criteria: ACMG Guidelines, 2015. Collection method: clinical testing. Allele origin: germline.

NM_002474.3(MYH11):c.4974A>G (p.Gln1658=)

Genes: MYH11 (myosin heavy chain 11; minus strand), NDE1 (nudE neurodevelopment protein 1; plus strand). Cytogenetic location: 16p13.11.
Variant type: single nucleotide variant.
Coding change: c.4974A>G on transcript NM_002474.3 (MANE Select); coding-DNA position 4974, A replaced by G.
Protein change: p.Gln1658=; no amino-acid change (glutamine 1658 retained).
Molecular consequence: synonymous variant. On other transcripts: intron variant (2).
Genome position (GRCh38, 1-based): chr16:15,719,693, T>C on the plus strand (A>G on the coding strand, the complement: MYH11 is on the minus strand). VCF-style: chr16-15719693-T-C. GRCh37 (hg19) VCF-style: chr16-15813550-T-C.
Other names: c.4995A>G, p.Gln1665= (NM_001040113.2, NM_001040114.2); c.4974A>G, p.Gln1658= (NM_022844.3); c.948-4498T>C (NM_001143979.2, NM_017668.3).
Identifiers: ClinVar variation 534173 (VCV000534173.12), dbSNP rs762733113, ClinGen allele CA7921475.